The following is an entry in ClinVar:

NM_001159699.2(FHL1):c.550-2A>G

Gene: FHL1 (four and a half LIM domains 1; plus strand). Cytogenetic location: Xq26.3.
Variant type: single nucleotide variant.
Coding change: c.550-2A>G on transcript NM_001159699.2 (MANE Select); the canonical splice acceptor site of the intron before coding-DNA position 550, A replaced by G.
Molecular consequence: splice acceptor variant. On other transcripts: intron variant (2).
Genome position (GRCh38, 1-based): chrX:136,208,453, A>G. VCF-style: chrX-136208453-A-G. GRCh37 (hg19) VCF-style: chrX-135290612-A-G.
Other names: NC_000023.10:g.135290612A>G; IVS5AS, A-G, -2; c.502-2A>G (NM_001159702.3, NM_001449.5, NM_001369326.1 and 8 more transcripts); c.501+492A>G (NM_001159703.2); c.589-2A>G (NM_001159701.2); c.549+492A>G (NM_001330659.2).
Identifiers: ClinVar variation 445279 (VCV000445279.10), dbSNP rs1556639352, ClinGen allele CA414608683.

ClinVar aggregate classification (germline): Pathogenic. Review status: criteria provided, single submitter (1 of 4 stars). 3 submissions from 3 submitters: Pathogenic (1). 2 of the submissions do not count toward it.

Conditions:
Uruguay Faciocardiomusculoskeletal syndrome. Identifiers: MedGen C1846010, MONDO:0010292, OMIM 300280.

Submissions (6):

3billion
Classification: Pathogenic for Uruguay Faciocardiomusculoskeletal syndrome. Review status: criteria provided, single submitter. Criteria: ACMG Guidelines, 2015. Collection method: clinical testing. Allele origin: unknown. Affected: yes. Observed: 1 hemizygote.
Comment: The variant is not observed in the gnomAD v2.1.1 dataset. The variant is predicted to alter splicing and result in a loss or disruption of normal protein function. Multiple pathogenic loss-of-function variants are reported downstream of the variant. The variant has been reported to be associated with FHL1 related disorder (ClinVar ID: VCV000445279 / PMID: 26933038). Therefore, this variant is classified as Pathogenic according to the recommendation of ACMG/AMP guideline.

OMIM
Classification: Pathogenic for URUGUAY FACIOCARDIOMUSCULOSKELETAL SYNDROME (1 family). Last evaluated: 2024-02-06. Review status: no assertion criteria provided. Collection method: literature only. Allele origin: germline. Not counted in ClinVar's aggregate classification.

Clinical Genetics Laboratory, University Hospital Schleswig-Holstein
Classification: Pathogenic for Uruguay Faciocardiomusculoskeletal syndrome. Last evaluated: 2023-11-08. Review status: no assertion criteria provided. Collection method: clinical testing. Allele origin: germline. Affected: yes. Not counted in ClinVar's aggregate classification.

Dr. Peter K. Rogan Lab, Western University
No classification provided (evidence only). Condition: Thyroid cancer, nonmedullary, 1. Review status: no classification provided. Collection method: in vitro. Allele origin: not applicable. Functional consequence: retained intron. Not counted in ClinVar's aggregate classification.

Dr. Peter K. Rogan Lab, Western University
No classification provided (evidence only). Condition: Thyroid cancer, nonmedullary, 1. Review status: no classification provided. Collection method: in vitro. Allele origin: not applicable. Functional consequence: skipped exon. Not counted in ClinVar's aggregate classification.

Dr. Peter K. Rogan Lab, Western University
No classification provided (evidence only). Condition: Nonpapillary renal cell carcinoma. Review status: no classification provided. Collection method: in vitro. Allele origin: not applicable. Functional consequence: skipped exon, retained intron. Not counted in ClinVar's aggregate classification.

Literature cited by the submitters: PubMed 26933038 (cited by 3billion and OMIM); PubMed 11102932 (cited by OMIM).